The following is an entry in ClinVar:

ClinVar aggregate classification (germline): Uncertain significance (1 of 4 stars; one submission).

Conditions:
Familial thoracic aortic aneurysm and aortic dissection (TAAD). Also called: Thoracic aortic aneurysms and dissections. Identifiers: Orphanet 91387, MedGen C4707243, MONDO:0019625.

Allele frequency attached by ClinVar (database versions not stated): gnomAD exomes below 0.00001.
gnomAD v4.1: 2 of 1,614,148 alleles (0.00012%); highest among the groups gnomAD compares: Non-Finnish European, 0.00017%; no homozygotes.

Submission:

Color Diagnostics, LLC DBA Color Health
Classification: Uncertain significance for Familial thoracic aortic aneurysm and aortic dissection. Last evaluated: 2019-12-02. Review status: criteria provided, single submitter. Criteria: ACMG Guidelines, 2015. Collection method: clinical testing. Allele origin: germline.
Comment: This missense variant replaces alanine with threonine at codon 349 of the SMAD3 protein. Computational prediction suggests that this variant may have deleterious impact on protein structure and function (internally defined REVEL score threshold >= 0.7, PMID: 27666373). Splice site prediction tools suggest that this variant may not impact RNA splicing. To our knowledge, functional studies have not been performed for this variant. This variant has not been reported in individuals affected with cardiovascular disorders in the literature. This variant has not been identified in the general population by the Genome Aggregation Database (gnomAD). The available evidence is insufficient to determine the role of this variant in disease conclusively. Therefore, this variant is classified as a Variant of Uncertain Significance.

NM_005902.4(SMAD3):c.1045G>A (p.Ala349Thr)

Gene: SMAD3 (SMAD family member 3; plus strand). Cytogenetic location: 15q22.33.
Variant type: single nucleotide variant.
Coding change: c.1045G>A on transcript NM_005902.4 (MANE Select); coding-DNA position 1045, G replaced by A.
Protein change: p.Ala349Thr; replaces alanine 349 with threonine.
Molecular consequence: missense variant.
Genome position (GRCh38, 1-based): chr15:67,187,400, G>A. VCF-style: chr15-67187400-G-A. GRCh37 (hg19) VCF-style: chr15-67479738-G-A.
Other names: c.730G>A, p.Ala244Thr (NM_001145102.2); c.913G>A, p.Ala305Thr (NM_001145103.2); c.460G>A, p.Ala154Thr (NM_001145104.2); short protein forms A154T, A305T, A244T, A349T.
Identifiers: ClinVar variation 926543 (VCV000926543.3), dbSNP rs1963249175, ClinGen allele CA392958131.